The following is an entry in ClinVar:

ClinVar aggregate classification (germline): Uncertain significance (1 of 4 stars; one submission).

Submission:

Labcorp Genetics (formerly Invitae), Labcorp
Classification: Uncertain significance. Last evaluated: 2022-06-27. Review status: criteria provided, single submitter. Criteria: Invitae Variant Classification Sherloc (09022015). Collection method: clinical testing. Allele origin: germline.
Comment: Advanced modeling of protein sequence and biophysical properties (such as structural, functional, and spatial information, amino acid conservation, physicochemical variation, residue mobility, and thermodynamic stability) performed at Invitae indicates that this missense variant is not expected to disrupt FLNB protein function. This variant has not been reported in the literature in individuals affected with FLNB-related conditions. This variant is not present in population databases (gnomAD no frequency). This sequence change replaces threonine, which is neutral and polar, with isoleucine, which is neutral and non-polar, at codon 1658 of the FLNB protein (p.Thr1658Ile). In summary, the available evidence is currently insufficient to determine the role of this variant in disease. Therefore, it has been classified as a Variant of Uncertain Significance.

NM_001457.4(FLNB):c.4973C>T (p.Thr1658Ile)

Gene: FLNB (filamin B; plus strand). Cytogenetic location: 3p14.3.
Variant type: single nucleotide variant.
Coding change: c.4973C>T on transcript NM_001457.4 (MANE Select); coding-DNA position 4973, C replaced by T.
Protein change: p.Thr1658Ile; replaces threonine 1658 with isoleucine.
Molecular consequence: missense variant.
Genome position (GRCh38, 1-based): chr3:58,138,393, C>T. VCF-style: chr3-58138393-C-T. GRCh37 (hg19) VCF-style: chr3-58124120-C-T.
Other names: c.5066C>T, p.Thr1689Ile (NM_001164317.2); c.4973C>T, p.Thr1658Ile (NM_001164318.2, NM_001164319.2); short protein forms T1689I, T1658I.
Identifiers: ClinVar variation 1379743 (VCV001379743.6), dbSNP rs2107233542, ClinGen allele CA353352961.
Genomic context (GRCh38, chr3:58,138,393, plus strand): 5'-TTGATGCCAAGACTGCCGGGAAGGGTAAAGTGACCTGCACGGTTCTGACCCCAGATGGCA[C>T]TGAGGCCGAGGCCGATGTCATTGAGAATGAAGATGGAACCTATGACATCTTCTACACAGC-3'
Protein context (NP_001448.2, residues 1648-1668): VTCTVLTPDG[Thr1658Ile]EAEADVIENE